The following is an entry in ClinVar:

ClinVar aggregate classification (germline): Pathogenic (1 of 4 stars; one submission).

Conditions:
Lysinuric protein intolerance (LPI). Identifiers: Orphanet 470, MedGen C0268647, MONDO:0009109, OMIM 222700.

Submission:

Labcorp Genetics (formerly Invitae), Labcorp
Classification: Pathogenic for Lysinuric protein intolerance. Last evaluated: 2023-09-17. Review status: criteria provided, single submitter. Criteria: Invitae Variant Classification Sherloc (09022015). Collection method: clinical testing. Allele origin: unknown.
Comment: This variant is a gross deletion of the genomic region encompassing exon(s) 4 of the SLC7A7 gene. This deletion is out-of-frame, and is expected to create a premature termination codon and result in an absent or disrupted protein product. Loss-of-function variants in SLC7A7 are known to be pathogenic (PMID: 10631139, 17764084). A similar copy number variant has been observed in individual(s) with lysinuric protein intolerance (PMID: 15776427). For these reasons, this variant has been classified as Pathogenic.

Literature cited by the submitters: PubMed 10631139; PubMed 17764084; PubMed 15776427.

NC_000014.8:g.(?_23249115)_(23249280_?)del

Gene: SLC7A7 (solute carrier family 7 member 7; minus strand). Cytogenetic location: 14q11.2.
Variant type: Deletion.
Identifiers: ClinVar variation 3243960 (VCV003243960.1).